The following is an entry in ClinVar:

ClinVar aggregate classification (germline): Uncertain significance. Review status: criteria provided, multiple submitters, no conflicts (2 of 4 stars). 2 submissions from 2 submitters: Uncertain significance (2). Last evaluated 2024-09-01.

Conditions:
Inborn genetic diseases. Identifiers: MedGen C0950123, MeSH D030342.

Allele frequency attached by ClinVar (database versions not stated): TOPMed 0.00004; gnomAD 0.00005; ESP Exome Variant Server 0.00008.
gnomAD v4.1: 76 of 1,613,130 alleles (0.0047%); highest among the groups gnomAD compares: Middle Eastern, 0.049%; no homozygotes.

Submissions (2):

Ambry Genetics
Classification: Uncertain significance for Inborn genetic diseases. Last evaluated: 2024-09-01. Review status: criteria provided, single submitter. Criteria: Ambry Variant Classification Scheme 2023. Collection method: clinical testing. Allele origin: germline.

Labcorp Genetics (formerly Invitae), Labcorp
Classification: Uncertain significance. Last evaluated: 2022-04-07. Review status: criteria provided, single submitter. Criteria: Invitae Variant Classification Sherloc (09022015). Collection method: clinical testing. Allele origin: germline.
Comment: This sequence change replaces threonine, which is neutral and polar, with methionine, which is neutral and non-polar, at codon 602 of the SLITRK6 protein (p.Thr602Met). This variant is present in population databases (rs369304860, gnomAD 0.02%). This variant has not been reported in the literature in individuals affected with SLITRK6-related conditions. Algorithms developed to predict the effect of missense changes on protein structure and function are either unavailable or do not agree on the potential impact of this missense change (SIFT: "Deleterious"; PolyPhen-2: "Possibly Damaging"; Align-GVGD: "Class C0"). In summary, the available evidence is currently insufficient to determine the role of this variant in disease. Therefore, it has been classified as a Variant of Uncertain Significance.

NM_032229.3(SLITRK6):c.1805C>T (p.Thr602Met)

Gene: SLITRK6 (SLIT and NTRK like family member 6; minus strand). Cytogenetic location: 13q31.1.
Variant type: single nucleotide variant.
Coding change: c.1805C>T on transcript NM_032229.3 (MANE Select); coding-DNA position 1805, C replaced by T.
Protein change: p.Thr602Met; replaces threonine 602 with methionine.
Molecular consequence: missense variant.
Genome position (GRCh38, 1-based): chr13:85,794,704, G>A on the plus strand (C>T on the coding strand, the complement: SLITRK6 is on the minus strand). VCF-style: chr13-85794704-G-A. GRCh37 (hg19) VCF-style: chr13-86368839-G-A.
Other names: c.1805C>T (NM_032229.2); short protein forms T602M.
Identifiers: ClinVar variation 1367775 (VCV001367775.4), dbSNP rs369304860, ClinGen allele CA7015020.